The following is an entry in ClinVar:

NM_001350317.3(TTLL8):c.1515C>T (p.His505=)

Gene: TTLL8 (tubulin tyrosine ligase like 8; minus strand). Cytogenetic location: 22q13.33.
Variant type: single nucleotide variant.
Coding change: c.1515C>T on transcript NM_001350317.3 (MANE Select); coding-DNA position 1515, C replaced by T.
Protein change: p.His505=; no amino-acid change (histidine 505 retained).
Molecular consequence: synonymous variant.
Genome position (GRCh38, 1-based): chr22:50,031,926, G>A on the plus strand (C>T on the coding strand, the complement: TTLL8 is on the minus strand). VCF-style: chr22-50031926-G-A. GRCh37 (hg19) VCF-style: chr22-50470355-G-A.
Identifiers: ClinVar variation 3771772 (VCV003771772.13).

ClinVar aggregate classification (germline): Likely benign (1 of 4 stars; one submission).

gnomAD v4.1: 99 of 1,366,870 alleles (0.0072%); highest among the groups gnomAD compares: African/African-American, 0.031%; no homozygotes.

Submission:

CeGaT Center for Human Genetics Tuebingen
Classification: Likely benign. Last evaluated: 2025-02-01. Review status: criteria provided, single submitter. Criteria: CeGaT Center For Human Genetics Tuebingen Variant Classification Criteria Version 2. Collection method: clinical testing. Allele origin: germline. Affected: yes. Observed: 1 variant allele.
Comment: TTLL8: BP4, BP7